The following is an entry in ClinVar:

ClinVar aggregate classification (germline): Uncertain significance (1 of 4 stars; one submission).

Allele frequency attached by ClinVar (database versions not stated): gnomAD exomes below 0.00001; TOPMed 0.00001.
gnomAD v4.1: 1 of 1,612,768 alleles (0.000062%); highest among the groups gnomAD compares: East Asian, 0.0022%; no homozygotes.

Submission:

GeneDx
Classification: Uncertain significance. Last evaluated: 2021-04-23. Review status: criteria provided, single submitter. Criteria: GeneDx Variant Classification Process June 2021. Collection method: clinical testing. Allele origin: germline. Affected: yes.
Comment: Has not been previously published as pathogenic or benign to our knowledge; Not observed in large population cohorts (Lek et al., 2016); In silico analysis, which includes protein predictors and evolutionary conservation, supports a deleterious effect

NM_001375524.1(TRRAP):c.7996G>A (p.Gly2666Ser)

Gene: TRRAP (transformation/transcription domain associated protein; plus strand). Cytogenetic location: 7q22.1.
Variant type: single nucleotide variant.
Coding change: c.7996G>A on transcript NM_001375524.1 (MANE Select); coding-DNA position 7996, G replaced by A.
Protein change: p.Gly2666Ser; replaces glycine 2666 with serine.
Molecular consequence: missense variant.
Genome position (GRCh38, 1-based): chr7:98,976,519, G>A. VCF-style: chr7-98976519-G-A. GRCh37 (hg19) VCF-style: chr7-98574142-G-A.
Other names: c.7975G>A, p.Gly2659Ser (NM_001244580.2); c.7921G>A, p.Gly2641Ser (NM_003496.4); short protein forms G2641S, G2659S, G2666S.
Identifiers: ClinVar variation 1309396 (VCV001309396.2), dbSNP rs959742718, ClinGen allele CA163073938.